The following is an entry in ClinVar:

ClinVar aggregate classification (germline): Uncertain significance. Review status: criteria provided, multiple submitters, no conflicts (2 of 4 stars). 2 submissions from 2 submitters: Uncertain significance (2). Last evaluated 2026-04-21.

Conditions:
PLXNA2-related disorder. Also called: PLXNA2-related condition.

Allele frequency attached by ClinVar (database versions not stated): gnomAD 0.00001; ExAC 0.00004; TOPMed 0.00005.
gnomAD v4.1: 32 of 1,613,976 alleles (0.002%); highest among the groups gnomAD compares: African/African-American, 0.021%; no homozygotes.

Submissions (2):

PreventionGenetics, part of Exact Sciences
Classification: Uncertain significance for PLXNA2-related condition. Last evaluated: 2026-04-21. Review status: criteria provided, single submitter. Criteria: ACMG Guidelines, 2015. Collection method: clinical testing. Allele origin: germline.
Comment: The PLXNA2 c.3817C>T variant is predicted to result in the amino acid substitution p.Arg1273Trp. To our knowledge, this variant has not been reported in the literature. This variant is reported in 0.031% of alleles in individuals of Latino descent in gnomAD. At this time, the clinical significance of this variant is uncertain due to the absence of conclusive functional and genetic evidence.

Labcorp Genetics (formerly Invitae), Labcorp
Classification: Uncertain significance. Last evaluated: 2024-01-05. Review status: criteria provided, single submitter. Criteria: Invitae Variant Classification Sherloc (09022015). Collection method: clinical testing. Allele origin: germline.
Comment: This sequence change replaces arginine, which is basic and polar, with tryptophan, which is neutral and slightly polar, at codon 1273 of the PLXNA2 protein (p.Arg1273Trp). This variant is present in population databases (rs778435254, gnomAD 0.03%). This variant has not been reported in the literature in individuals affected with PLXNA2-related conditions. Advanced modeling of protein sequence and biophysical properties (such as structural, functional, and spatial information, amino acid conservation, physicochemical variation, residue mobility, and thermodynamic stability) performed at Invitae indicates that this missense variant is expected to disrupt PLXNA2 protein function with a positive predictive value of 80%. In summary, the available evidence is currently insufficient to determine the role of this variant in disease. Therefore, it has been classified as a Variant of Uncertain Significance.

NM_025179.4(PLXNA2):c.3817C>T (p.Arg1273Trp)

Gene: PLXNA2 (plexin A2; minus strand). Cytogenetic location: 1q32.2.
Variant type: single nucleotide variant.
Coding change: c.3817C>T on transcript NM_025179.4 (MANE Select); coding-DNA position 3817, C replaced by T.
Protein change: p.Arg1273Trp; replaces arginine 1273 with tryptophan.
Molecular consequence: missense variant.
Genome position (GRCh38, 1-based): chr1:208,044,565, G>A on the plus strand (C>T on the coding strand, the complement: PLXNA2 is on the minus strand). VCF-style: chr1-208044565-G-A. GRCh37 (hg19) VCF-style: chr1-208217910-G-A.
Other names: c.3817C>T (NM_025179.3); short protein forms R1273W.
Identifiers: ClinVar variation 2892581 (VCV002892581.4), dbSNP rs778435254, ClinGen allele CA1373067.
Genomic context (GRCh38, chr1:208,044,565, plus strand): 5'-AACCTTCCTTGCACTCCAAGGCCACACGGGACTCCAGATTGTCCATCTGCATTTGCAGCC[G>A]CTTGAGAGTGAGGTCATTTTCTCGAGACTTGCGCTTGTAGGCAATGAGGACGATGATGAC-3'
Protein context (NP_079455.3, residues 1263-1283): KSRENDLTLK[Arg1273Trp]LQMQMDNLES